The following is an entry in ClinVar:

ClinVar aggregate classification (germline): Conflicting classifications of pathogenicity. Review status: criteria provided, conflicting classifications (1 of 4 stars). 2 submissions from 2 submitters: Uncertain significance (1); Benign (1). Last evaluated 2026-07-03.

Conditions:
Inborn genetic diseases. Identifiers: MedGen C0950123, MeSH D030342.

Submissions (2):

Ambry Genetics
Classification: Uncertain significance for Inborn genetic diseases. Last evaluated: 2026-07-03. Review status: criteria provided, single submitter. Criteria: Ambry Variant Classification Scheme 2023. Collection method: clinical testing. Allele origin: germline.
Comment: The c.691T>G (p.S231A) alteration is located in exon 1 (coding exon 1) of the CDK13 gene. This alteration results from a T to G substitution at nucleotide position 691, causing the serine (S) at amino acid position 231 to be replaced by an alanine (A). Based on data from gnomAD, the G allele has an overall frequency of <0.001% (0/46926) total alleles studied. The highest observed frequency was <0.001% (/) of alleles. Based on insufficient or conflicting evidence, the clinical significance of this alteration remains unclear.

Labcorp Genetics (formerly Invitae), Labcorp
Classification: Benign. Last evaluated: 2025-08-11. Review status: criteria provided, single submitter. Criteria: Invitae Variant Classification Sherloc (09022015). Collection method: clinical testing. Allele origin: germline.

NM_003718.5(CDK13):c.691T>G (p.Ser231Ala)

Gene: CDK13 (cyclin dependent kinase 13; plus strand). Cytogenetic location: 7p14.1.
Variant type: single nucleotide variant.
Coding change: c.691T>G on transcript NM_003718.5 (MANE Select); coding-DNA position 691, T replaced by G.
Protein change: p.Ser231Ala; replaces serine 231 with alanine.
Molecular consequence: missense variant.
Genome position (GRCh38, 1-based): chr7:39,951,332, T>G. VCF-style: chr7-39951332-T-G. GRCh37 (hg19) VCF-style: chr7-39990931-T-G.
Other names: c.691T>G, p.Ser231Ala (NM_031267.4); c.691T>G (NM_003718.4); short protein forms S231A.
Identifiers: ClinVar variation 4748256 (VCV004748256.2).